The following is an entry in ClinVar:

ClinVar aggregate classification (germline): Uncertain significance (1 of 4 stars; one submission).

Submission:

GeneDx
Classification: Uncertain significance. Last evaluated: 2023-06-20. Review status: criteria provided, single submitter. Criteria: GeneDx Variant Classification Process June 2021. Collection method: clinical testing. Allele origin: germline. Affected: yes.
Comment: Not observed at significant frequency in large population cohorts (gnomAD); In silico analysis supports that this missense variant has a deleterious effect on protein structure/function; Has not been previously published as pathogenic or benign to our knowledge

NM_004463.3(FGD1):c.1579C>T (p.Leu527Phe)

Gene: FGD1 (FYVE, RhoGEF and PH domain containing 1; minus strand). Cytogenetic location: Xp11.22.
Variant type: single nucleotide variant.
Coding change: c.1579C>T on transcript NM_004463.3 (MANE Select); coding-DNA position 1579, C replaced by T.
Protein change: p.Leu527Phe; replaces leucine 527 with phenylalanine.
Molecular consequence: missense variant.
Genome position (GRCh38, 1-based): chrX:54,465,508, G>A on the plus strand (C>T on the coding strand, the complement: FGD1 is on the minus strand). VCF-style: chrX-54465508-G-A. GRCh37 (hg19) VCF-style: chrX-54491941-G-A.
Other names: short protein forms L527F.
Identifiers: ClinVar variation 3360214 (VCV003360214.1).